The following is an entry in ClinVar:

ClinVar aggregate classification (germline): Uncertain significance. Review status: criteria provided, multiple submitters, no conflicts (2 of 4 stars). 5 submissions from 5 submitters: Uncertain significance (4). 1 of the submissions does not count toward it. Last evaluated 2026-05-26.

Conditions:
Cardiovascular phenotype. Identifiers: MedGen CN230736.
Alstrom syndrome (ALMS). Identifiers: Orphanet 64, MedGen C0268425, MONDO:0008763, OMIM 203800.

Allele frequency attached by ClinVar (database versions not stated): ExAC 0.00001; gnomAD exomes 0.00002.
gnomAD v4.1: 34 of 1,614,132 alleles (0.0021%); highest among the groups gnomAD compares: Admixed American, 0.0067%; no homozygotes.

Submissions (5):

Ambry Genetics
Classification: Uncertain significance for Cardiovascular phenotype. Last evaluated: 2026-05-26. Review status: criteria provided, single submitter. Criteria: Ambry Variant Classification Scheme 2023. Collection method: clinical testing. Allele origin: germline.
Comment: The p.N4159S variant (also known as c.12476A>G), located in coding exon 23 of the ALMS1 gene, results from an A to G substitution at nucleotide position 12476. The asparagine at codon 4159 is replaced by serine, an amino acid with highly similar properties. This amino acid position is highly conserved in available vertebrate species. In addition, this alteration is predicted to be tolerated by in silico analysis. Based on the available evidence, the clinical significance of this variant remains unclear.

Fulgent Genetics
Classification: Uncertain significance for Alstrom syndrome. Last evaluated: 2022-01-02. Review status: criteria provided, single submitter. Criteria: ACMG Guidelines, 2015. Collection method: clinical testing. Allele origin: unknown.

Labcorp Genetics (formerly Invitae), Labcorp
Classification: Uncertain significance for Alstrom syndrome. Last evaluated: 2021-08-04. Review status: criteria provided, single submitter. Criteria: Invitae Variant Classification Sherloc (09022015). Collection method: clinical testing. Allele origin: germline.
Comment: This sequence change replaces asparagine with serine at codon 4159 of the ALMS1 protein (p.Asn4159Ser). The asparagine residue is highly conserved and there is a small physicochemical difference between asparagine and serine. This variant is present in population databases (rs752828644, ExAC 0.001%). This variant has not been reported in the literature in individuals with ALMS1-related conditions. Experimental studies and prediction algorithms are not available or were not evaluated, and the functional significance of this variant is currently unknown. In summary, the available evidence is currently insufficient to determine the role of this variant in disease. Therefore, it has been classified as a Variant of Uncertain Significance.

GeneDx
Classification: Uncertain significance. Last evaluated: 2021-08-02. Review status: criteria provided, single submitter. Criteria: GeneDx Variant Classification Process June 2021. Collection method: clinical testing. Allele origin: germline. Affected: yes.
Comment: Has not been previously published as pathogenic or benign to our knowledge; Not observed at significant frequency in large population cohorts (Lek et al., 2016); In silico analysis supports that this missense variant has a deleterious effect on protein structure/function

Natera, Inc.
Classification: Uncertain significance for Alstrom syndrome. Last evaluated: 2020-10-08. Review status: no assertion criteria provided. Collection method: clinical testing. Allele origin: germline. Not counted in ClinVar's aggregate classification.

NM_001378454.1(ALMS1):c.12473A>G (p.Asn4158Ser)

Gene: ALMS1 (ALMS1 centrosome and basal body associated protein; plus strand). Cytogenetic location: 2p13.1.
Variant type: single nucleotide variant.
Coding change: c.12473A>G on transcript NM_001378454.1 (MANE Select); coding-DNA position 12473, A replaced by G.
Protein change: p.Asn4158Ser; replaces asparagine 4158 with serine.
Molecular consequence: missense variant.
Genome position (GRCh38, 1-based): chr2:73,609,578, A>G. VCF-style: chr2-73609578-A-G. GRCh37 (hg19) VCF-style: chr2-73836705-A-G.
Other names: c.12476A>G, p.Asn4159Ser (NM_015120.4); short protein forms N4158S, N4159S.
Identifiers: ClinVar variation 1254276 (VCV001254276.9), dbSNP rs752828644, ClinGen allele CA1715605.
Genomic context (GRCh38, chr2:73,609,578, plus strand): 5'-CTGATGGCAGTAATATCTAACTTCTTTCCTGCCTTTCTTTTCTTCTACAGAGAGTGACCA[A>G]TCAACTTCTGGGGAGAAAAGTTCCCTGGGACTGACACAAGTTTATTTTCCTCAGAGCCTT-3'
Protein context (NP_001365383.1, residues 4148-4168): RAQLYKKRVT[Asn4158Ser]QLLGRKVPWD